The following is an entry in ClinVar:

NM_006875.4(PIM2):c.609C>T (p.Tyr203=)

Gene: PIM2 (Pim-2 proto-oncogene, serine/threonine kinase; minus strand). Cytogenetic location: Xp11.23.
Variant type: single nucleotide variant.
Coding change: c.609C>T on transcript NM_006875.4 (MANE Select); coding-DNA position 609, C replaced by T.
Protein change: p.Tyr203=; no amino-acid change (tyrosine 203 retained).
Molecular consequence: synonymous variant.
Genome position (GRCh38, 1-based): chrX:48,914,558, G>A on the plus strand (C>T on the coding strand, the complement: PIM2 is on the minus strand). VCF-style: chrX-48914558-G-A. GRCh37 (hg19) VCF-style: chrX-48771835-G-A.
Identifiers: ClinVar variation 2660488 (VCV002660488.24), dbSNP rs55870413, ClinGen allele CA10406284.

ClinVar aggregate classification (germline): Likely benign (1 of 4 stars; one submission).

Allele frequency attached by ClinVar (database versions not stated): ESP Exome Variant Server 0.00019; TOPMed 0.00023; gnomAD 0.00029; ExAC 0.00033; gnomAD exomes 0.00046; 1000 Genomes Project 0.00079; 1000 Genomes Project 30x 0.00083.
gnomAD v4.1: 528 of 1,204,997 alleles (0.044%); highest among the groups gnomAD compares: Non-Finnish European, 0.055%; no homozygotes.

Submission:

CeGaT Center for Human Genetics Tuebingen
Classification: Likely benign. Last evaluated: 2023-04-01. Review status: criteria provided, single submitter. Criteria: CeGaT Center For Human Genetics Tuebingen Variant Classification Criteria Version 2. Collection method: clinical testing. Allele origin: germline. Affected: yes. Observed: 2 variant alleles.
Comment: PIM2: BP4, BP7, BS2